The following is an entry in ClinVar:

NM_004136.4(IREB2):c.1329_1331del (p.Ser444del)

Gene: IREB2 (iron responsive element binding protein 2; plus strand). Cytogenetic location: 15q25.1.
Variant type: Deletion.
Coding change: c.1329_1331del on transcript NM_004136.4 (MANE Select); coding-DNA positions 1329 to 1331, 3 bases deleted (ATC; older notation c.1329_1331delATC).
Protein change: p.Ser444del; deletes serine 444.
Molecular consequence: inframe deletion.
Genome position (GRCh38, 1-based): chr15:78,483,350-78,483,352, ATC deleted; deleting any 3 consecutive bases within chr15:78,483,349-78,483,352 gives the same sequence; the c. name uses the placement nearest the transcript's 3' end. VCF-style (leftmost placement, unchanged base first): chr15-78483348-CCAT-C. GRCh37 (hg19) VCF-style: chr15-78775690-CCAT-C.
Other names: c.579_581del, p.Ser194del (NM_001320941.2); c.1158_1160del, p.Ser387del (NM_001320942.2, NM_001354994.2); short protein forms S194del, S387del, S444del.
Identifiers: ClinVar variation 694294 (VCV000694294.3), dbSNP rs1596009225, ClinGen allele CA915946083.

ClinVar aggregate classification (germline): Uncertain significance. Review status: criteria provided, single submitter (1 of 4 stars). 2 submissions from 2 submitters: Uncertain significance (1). 1 of the submissions does not count toward it. Last evaluated 2018-09-16.

Conditions:
NEURODEGENERATION, EARLY-ONSET, WITH CHOREOATHETOSIS AND MICROCYTIC ANEMIA.
Neurodegeneration, early-onset, with choreoathetoid movements and microcytic anemia. Identifiers: MedGen C5193104, MONDO:0032758, OMIM 618451.

Submissions (2):

Victorian Clinical Genetics Services, Murdoch Childrens Research Institute
Classification: Uncertain significance for Neurodegeneration, early-onset, with choreoathetoid movements and microcytic anemia. Last evaluated: 2018-09-16. Review status: criteria provided, single submitter. Criteria: ACMG Guidelines, 2015. Collection method: clinical testing. Allele origin: paternal. Affected: yes. Observed: 2 variant alleles.
Comment: A heterozygous inframe deletion variant, NM_004136.4(IREB2):c.1329_1331del, has been identified in exon 11 of 22 of the IREB2 gene. Note: This variant is non-coding in an alternative transcript. The variant is predicted to result in a single amino acid deletion at position 444 of the protein (NP_004127.2(IREB2):p.(Ser444del)). The deleted serine residue at this position has low conservation (100 vertebrates, UCSC), and is located within the aconitate hydratase domain. The variant is absent in population databases (gnomAD, dbSNP, 1000G) and has not been previously reported in clinical cases. Based on the information available at the time of curation, this variant has been classified as a VARIANT of UNCERTAIN SIGNIFICANCE (VUS).

OMIM
Classification: Pathogenic for NEURODEGENERATION, EARLY-ONSET, WITH CHOREOATHETOSIS AND MICROCYTIC ANEMIA. Last evaluated: 2019-11-05. Review status: no assertion criteria provided. Collection method: literature only. Allele origin: germline. Not counted in ClinVar's aggregate classification.

Literature cited by the submitters: PubMed 31243445 (cited by OMIM).